The following is an entry in ClinVar:

NM_000545.8(HNF1A):c.618G>T (p.Trp206Cys)

Gene: HNF1A (HNF1 homeobox A; plus strand). Cytogenetic location: 12q24.31.
Variant type: single nucleotide variant.
Coding change: c.618G>T on transcript NM_000545.8 (MANE Select); coding-DNA position 618, G replaced by T.
Protein change: p.Trp206Cys; replaces tryptophan 206 with cysteine.
Molecular consequence: missense variant.
Genome position (GRCh38, 1-based): chr12:120,993,611, G>T. VCF-style: chr12-120993611-G-T. GRCh37 (hg19) VCF-style: chr12-121431414-G-T.
Other names: NM_000545.8(HNF1A):c.618G>T; p.Trp206Cys; c.618G>T, p.Trp206Cys (NM_001306179.2, NM_001406915.1); short protein forms W206C.
Identifiers: ClinVar variation 4742486 (VCV004742486.2).
Genomic context (GRCh38, chr12:120,993,611, plus strand): 5'-TGAAGAGCCCACAGGTGATGAGCTACCAACCAAGAAGGGGCGGAGGAACCGTTTCAAGTG[G>T]GGCCCAGCATCCCAGCAGATCCTGTTCCAGGCCTATGAGAGGCAGAAGAACCCTAGCAAG-3'
Protein context (NP_000536.6, residues 196-216): TKKGRRNRFK[Trp206Cys]GPASQQILFQ

ClinVar aggregate classification (germline): Likely pathogenic. Review status: reviewed by expert panel (3 of 4 stars). 2 submissions from 2 submitters: Likely pathogenic (1). 1 of the submissions does not count toward it. Last evaluated 2026-06-11.

Conditions:
Monogenic diabetes. Identifiers: Orphanet 183625, MedGen C3888631, MONDO:0015967.

Submissions (2):

ClinGen Monogenic Diabetes Variant Curation Expert Panel
Classification: Likely pathogenic for Monogenic diabetes. Last evaluated: 2026-06-11. Review status: reviewed by expert panel. Criteria: ClinGen Diabetes ACMG Specifications HNF1A V3.1.0. Collection method: curation. Allele origin: germline. Inheritance: Autosomal dominant inheritance.
Comment: The c.618G>T variant in the HNF1 homeobox A gene, HNF1A, causes an amino acid change of tryptophan to cysteine at codon 206 (p.(Trp206Cys)) of NM_000545.8. This variant is predicted to be deleterious by computational evidence, with a REVEL score of 0.923, which is greater than the MDEP threshold of 0.70 (PP3). Additionally, this variant resides in an amino acid within the HNF1α DNA binding domain that directly binds DNA, which is defined as critical for the protein’s function by the ClinGen MDEP (PM1). This variant is absent from gnomAD v4.1.0 (PM2_Supporting). This variant was identified in an individual with a clinical history highly specific for HNF1A-monogenic diabetes (MODY probability calculator result >50%, negative genetic testing for HNF4A, negative diabetes autoantibodies, and SU sensitive) (PP4_Moderate; internal lab contributors). Lastly, another missense variant at the same residue, c.616T>A p.(Trp206Arg), has been classified as likely pathogenic by the ClinGen MDEP (PM5_Supporting). In summary, c.618G>T meets the criteria to be classified as likely pathogenic for monogenic diabetes. ACMG/AMP criteria applied, as specified by the ClinGen MDEP (specification version 3.1.0, approved 10/10/2025): PM1, PP4_Moderate, PM2_Supporting, PM5_Supporting, PP3.

Labcorp Genetics (formerly Invitae), Labcorp
Classification: Uncertain significance. Last evaluated: 2025-08-31. Review status: criteria provided, single submitter. Criteria: Invitae Variant Classification Sherloc (09022015). Collection method: clinical testing. Allele origin: germline. Not counted in ClinVar's aggregate classification.
Comment: This sequence change replaces tryptophan, which is neutral and slightly polar, with cysteine, which is neutral and slightly polar, at codon 206 of the HNF1A protein (p.Trp206Cys). This variant is not present in population databases (gnomAD no frequency). This variant has not been reported in the literature in individuals affected with HNF1A-related conditions. Invitae Evidence Modeling of protein sequence and biophysical properties (such as structural, functional, and spatial information, amino acid conservation, physicochemical variation, residue mobility, and thermodynamic stability) indicates that this missense variant is not expected to disrupt HNF1A protein function with a negative predictive value of 80%. In summary, the available evidence is currently insufficient to determine the role of this variant in disease. Therefore, it has been classified as a Variant of Uncertain Significance.